The following is an entry in ClinVar:

ClinVar aggregate classification (germline): Uncertain significance (1 of 4 stars; one submission).

Conditions:
Cardiovascular phenotype. Identifiers: MedGen CN230736.

gnomAD v4.1: 1 of 1,612,420 alleles (0.000062%); highest among the groups gnomAD compares: Non-Finnish European, 0.000085%; no homozygotes.

Submission:

Ambry Genetics
Classification: Uncertain significance for Cardiovascular phenotype. Last evaluated: 2026-04-27. Review status: criteria provided, single submitter. Criteria: Ambry Variant Classification Scheme 2023. Collection method: clinical testing. Allele origin: germline.
Comment: The p.E3216A variant (also known as c.9647A>C), located in coding exon 27 of the TNXB gene, results from an A to C substitution at nucleotide position 9647. The glutamic acid at codon 3216 is replaced by alanine, an amino acid with dissimilar properties. This amino acid position is conserved. In addition, this alteration is predicted to be tolerated by in silico analysis. Based on the available evidence, the clinical significance of this variant remains unclear.

NM_001365276.2(TNXB):c.9653A>C (p.Glu3218Ala)

Gene: TNXB (tenascin XB; minus strand). Cytogenetic location: 6p21.33.
Variant type: single nucleotide variant.
Coding change: c.9653A>C on transcript NM_001365276.2 (MANE Select); coding-DNA position 9653, A replaced by C.
Protein change: p.Glu3218Ala; replaces glutamic acid 3218 with alanine.
Molecular consequence: missense variant.
Genome position (GRCh38, 1-based): chr6:32,049,374, T>G on the plus strand (A>C on the coding strand, the complement: TNXB is on the minus strand). VCF-style: chr6-32049374-T-G. GRCh37 (hg19) VCF-style: chr6-32017151-T-G.
Other names: c.10394A>C, p.Glu3465Ala (NM_001428335.1); c.9647A>C, p.Glu3216Ala (NM_019105.8); short protein forms E3216A, E3218A, E3465A.
Identifiers: ClinVar variation 4865819 (VCV004865819.1).